The following is an entry in ClinVar:

NM_001365951.3(KIF1B):c.3500A>G (p.Tyr1167Cys)

Gene: KIF1B (kinesin family member 1B; plus strand). Cytogenetic location: 1p36.22.
Variant type: single nucleotide variant.
Coding change: c.3500A>G on transcript NM_001365951.3 (MANE Select); coding-DNA position 3500, A replaced by G.
Protein change: p.Tyr1167Cys; replaces tyrosine 1167 with cysteine.
Molecular consequence: missense variant.
Genome position (GRCh38, 1-based): chr1:10,339,846, A>G. VCF-style: chr1-10339846-A-G. GRCh37 (hg19) VCF-style: chr1-10399904-A-G.
Other names: c.3500A>G, p.Tyr1167Cys (NM_001365952.1); c.3362A>G, p.Tyr1121Cys (NM_015074.3); short protein forms Y1121C, Y1167C.
Identifiers: ClinVar variation 3534035 (VCV003534035.1).
Genomic context (GRCh38, chr1:10,339,846, plus strand): 5'-ATGAAGCATTCTCCACGGAGCCCCTCAAAAACAATGGCAGAGGAAGTCCCCTGGCCTTTT[A>G]TCATGTGCAGAATGTAAGTGACATGGACCTTTTTGCCAAACATATGTTTTTCTGGTACCT-3'
Protein context (NP_001352880.1, residues 1157-1177): NNGRGSPLAF[Tyr1167Cys]HVQNIAVEIT

ClinVar aggregate classification (germline): Uncertain significance (1 of 4 stars; one submission).

gnomAD v4.1: 1 of 1,613,972 alleles (0.000062%); no homozygotes.

Submission:

Ambry Genetics
Classification: Uncertain significance. Last evaluated: 2024-10-02. Review status: criteria provided, single submitter. Criteria: Ambry Variant Classification Scheme 2023. Collection method: clinical testing. Allele origin: germline.
Comment: The p.Y1121C variant (also known as c.3362A>G), located in coding exon 29 of the KIF1B gene, results from an A to G substitution at nucleotide position 3362. The tyrosine at codon 1121 is replaced by cysteine, an amino acid with highly dissimilar properties. This amino acid position is conserved. In addition, this alteration is predicted to be deleterious by in silico analysis. Based on the available evidence, the clinical significance of this variant remains unclear.